The following is an entry in ClinVar:

NM_002098.6(GUCA1B):c.578A>G (p.Gln193Arg)

Gene: GUCA1B (guanylate cyclase activator 1B; minus strand). Cytogenetic location: 6p21.1.
Variant type: single nucleotide variant.
Coding change: c.578A>G on transcript NM_002098.6 (MANE Select); coding-DNA position 578, A replaced by G.
Protein change: p.Gln193Arg; replaces glutamine 193 with arginine.
Molecular consequence: missense variant.
Genome position (GRCh38, 1-based): chr6:42,184,840, T>C on the plus strand (A>G on the coding strand, the complement: GUCA1B is on the minus strand). VCF-style: chr6-42184840-T-C. GRCh37 (hg19) VCF-style: chr6-42152578-T-C.
Other names: short protein forms Q193R.
Identifiers: ClinVar variation 1499658 (VCV001499658.8), dbSNP rs1768165616, ClinGen allele CA364112061.
Genomic context (GRCh38, chr6:42,184,840, plus strand): 5'-GGTGAGCCTGGAGTCGTGGAGGGGCCCCAGACTCCTCAGAACATGGCACTTTTCCGTCTC[T>C]GCTGAGCGAGCCAGCTGCTGGGATTCATGTCCATCTGCAGCATCTTCATCACCCACTTGT-3'
Protein context (NP_002089.4, residues 183-200): DMNPSSWLAQ[Gln193Arg]RRKSAMF

ClinVar aggregate classification (germline): Uncertain significance (1 of 4 stars; one submission).

Allele frequency attached by ClinVar (database versions not stated): TOPMed 0.00001; gnomAD exomes below 0.00001.
gnomAD v4.1: 1 of 1,614,116 alleles (0.000062%); highest among the groups gnomAD compares: Non-Finnish European, 0.000085%; no homozygotes.

Submission:

Labcorp Genetics (formerly Invitae), Labcorp
Classification: Uncertain significance. Last evaluated: 2022-10-17. Review status: criteria provided, single submitter. Criteria: Invitae Variant Classification Sherloc (09022015). Collection method: clinical testing. Allele origin: germline.
Comment: This variant is not present in population databases (gnomAD no frequency). In summary, the available evidence is currently insufficient to determine the role of this variant in disease. Therefore, it has been classified as a Variant of Uncertain Significance. Algorithms developed to predict the effect of missense changes on protein structure and function (SIFT, PolyPhen-2, Align-GVGD) all suggest that this variant is likely to be tolerated. ClinVar contains an entry for this variant (Variation ID: 1499658). This variant has not been reported in the literature in individuals affected with GUCA1B-related conditions. This sequence change replaces glutamine, which is neutral and polar, with arginine, which is basic and polar, at codon 193 of the GUCA1B protein (p.Gln193Arg).